The following is an entry in ClinVar:

ClinVar aggregate classification (germline): Benign/Likely benign. Review status: criteria provided, multiple submitters, no conflicts (2 of 4 stars). 3 submissions from 3 submitters: Benign (1); Likely benign (2). Last evaluated 2025-03-07.

Conditions:
Hereditary cancer-predisposing syndrome. Also called: Tumor predisposition; Neoplastic Syndromes, Hereditary; Hereditary Cancer Syndrome; Hereditary neoplastic syndrome. Identifiers: Orphanet 140162, MedGen C0027672, MeSH D009386, MONDO:0015356.
Pheochromocytoma/paraganglioma syndrome 5. Also called: Paragangliomas 5; SDHA-Related Hereditary Paraganglioma-Pheochromocytoma Syndrome. Identifiers: Orphanet 29072, MedGen C3279992, MONDO:0013602, OMIM 614165.
Mitochondrial complex II deficiency, nuclear type 1. Also called: SUCCINATE CoQ REDUCTASE DEFICIENCY. Identifiers: Orphanet 3208, MedGen C5700310, MONDO:0100294, OMIM 252011.

Allele frequency attached by ClinVar (database versions not stated): gnomAD exomes below 0.00001.

Submissions (3):

Myriad Genetics, Inc.
Classification: Benign for Pheochromocytoma/paraganglioma syndrome 5. Last evaluated: 2025-03-07. Review status: criteria provided, single submitter. Criteria: Myriad Autosomal Dominant, Autosomal Recessive and X-Linked Classification Criteria (2023). Collection method: clinical testing. Allele origin: unknown.
Comment: This variant is considered benign. This variant is a silent/synonymous amino acid change and it is not expected to impact splicing.

Ambry Genetics
Classification: Likely benign for Hereditary cancer-predisposing syndrome. Last evaluated: 2024-08-27. Review status: criteria provided, single submitter. Criteria: Ambry Variant Classification Scheme 2023. Collection method: clinical testing. Allele origin: germline.

Labcorp Genetics (formerly Invitae), Labcorp
Classification: Likely benign for Pheochromocytoma/paraganglioma syndrome 5; Mitochondrial complex II deficiency, nuclear type 1. Last evaluated: 2021-12-24. Review status: criteria provided, single submitter. Criteria: Invitae Variant Classification Sherloc (09022015). Collection method: clinical testing. Allele origin: germline.

NM_004168.4(SDHA):c.1096C>T (p.Leu366=)

Gene: SDHA (succinate dehydrogenase complex flavoprotein subunit A; plus strand). Cytogenetic location: 5p15.33.
Variant type: single nucleotide variant.
Coding change: c.1096C>T on transcript NM_004168.4 (MANE Select); coding-DNA position 1096, C replaced by T.
Protein change: p.Leu366=; no amino-acid change (leucine 366 retained).
Molecular consequence: synonymous variant.
Genome position (GRCh38, 1-based): chr5:235,175, C>T. VCF-style: chr5-235175-C-T. GRCh37 (hg19) VCF-style: chr5-235290-C-T.
Other names: c.1096C>T (NM_004168.2); c.952C>T, p.Leu318= (NM_001294332.2); c.1096C>T, p.Leu366= (NM_001330758.2).
Identifiers: ClinVar variation 1161210 (VCV001161210.11), dbSNP rs1305056679, ClinGen allele CA442691935.